The following is an entry in ClinVar:

NM_022124.6(CDH23):c.2056G>A (p.Ala686Thr)

Gene: CDH23 (cadherin related 23; plus strand). Cytogenetic location: 10q22.1.
Variant type: single nucleotide variant.
Coding change: c.2056G>A on transcript NM_022124.6 (MANE Select); coding-DNA position 2056, G replaced by A.
Protein change: p.Ala686Thr; replaces alanine 686 with threonine.
Molecular consequence: missense variant.
Genome position (GRCh38, 1-based): chr10:71,687,716, G>A. VCF-style: chr10-71687716-G-A. GRCh37 (hg19) VCF-style: chr10-73447473-G-A.
Other names: c.2056G>A, p.Ala686Thr (NM_001171930.2, NM_001171931.2); short protein forms A686T.
Identifiers: ClinVar variation 1998482 (VCV001998482.4), dbSNP rs2493980800, ClinGen allele CA377133506.

ClinVar aggregate classification (germline): Uncertain significance (1 of 4 stars; one submission).

Allele frequency attached by ClinVar (database versions not stated): gnomAD exomes below 0.00001.
gnomAD v4.1: 1 of 1,613,646 alleles (0.000062%); highest among the groups gnomAD compares: Non-Finnish European, 0.000085%; no homozygotes.

Submission:

Labcorp Genetics (formerly Invitae), Labcorp
Classification: Uncertain significance. Last evaluated: 2022-05-25. Review status: criteria provided, single submitter. Criteria: Invitae Variant Classification Sherloc (09022015). Collection method: clinical testing. Allele origin: germline.
Comment: In summary, the available evidence is currently insufficient to determine the role of this variant in disease. Therefore, it has been classified as a Variant of Uncertain Significance. Algorithms developed to predict the effect of missense changes on protein structure and function are either unavailable or do not agree on the potential impact of this missense change (SIFT: "Deleterious"; PolyPhen-2: "Not Available"; Align-GVGD: "Class C55"). This variant has not been reported in the literature in individuals affected with CDH23-related conditions. This variant is not present in population databases (gnomAD no frequency). This sequence change replaces alanine, which is neutral and non-polar, with threonine, which is neutral and polar, at codon 686 of the CDH23 protein (p.Ala686Thr).